The following is an entry in ClinVar:

NM_000089.4(COL1A2):c.3952T>C (p.Ser1318Pro)

Gene: COL1A2 (collagen type I alpha 2 chain; plus strand). Cytogenetic location: 7q21.3.
Variant type: single nucleotide variant.
Coding change: c.3952T>C on transcript NM_000089.4 (MANE Select); coding-DNA position 3952, T replaced by C.
Protein change: p.Ser1318Pro; replaces serine 1318 with proline.
Molecular consequence: missense variant.
Genome position (GRCh38, 1-based): chr7:94,429,428, T>C. VCF-style: chr7-94429428-T-C. GRCh37 (hg19) VCF-style: chr7-94058740-T-C.
Other names: short protein forms S1318P.
Identifiers: ClinVar variation 4782675 (VCV004782675.2).

ClinVar aggregate classification (germline): Uncertain significance. Review status: criteria provided, multiple submitters, no conflicts (2 of 4 stars). 2 submissions from 2 submitters: Uncertain significance (2). Last evaluated 2026-05-28.

Conditions:
Cardiovascular phenotype. Identifiers: MedGen CN230736.
Ehlers-Danlos syndrome, classic type, 1 (EDSCL1). Also called: EHLERS-DANLOS SYNDROME, GRAVIS TYPE; EHLERS-DANLOS SYNDROME, SEVERE CLASSIC TYPE; Ehlers-Danlos syndrome, type 1; Ehlers-Danlos Syndrome, Classic Type, COL5A1-Related; EDS I. Identifiers: MedGen C0268335, MONDO:0019567, OMIM 130000.
Osteogenesis imperfecta type I (OI1). Also called: OI, TYPE I; OSTEOGENESIS IMPERFECTA TARDA; OSTEOGENESIS IMPERFECTA WITH BLUE SCLERAE; Osteogenesis imperfecta type 1; Lobstein's Disease; Lobstein disease. Identifiers: Orphanet 216796, Orphanet 666, MedGen C0023931, MONDO:0008146, OMIM 166200. Disease mechanism: loss of function.

gnomAD v4.1: 11 of 1,613,938 alleles (0.00068%); highest among the groups gnomAD compares: African/African-American, 0.013%; no homozygotes.

Submissions (2):

Ambry Genetics
Classification: Uncertain significance for Cardiovascular phenotype. Last evaluated: 2026-05-28. Review status: criteria provided, single submitter. Criteria: Ambry Variant Classification Scheme 2023. Collection method: clinical testing. Allele origin: germline.
Comment: The p.S1318P variant (also known as c.3952T>C), located in coding exon 51 of the COL1A2 gene, results from a T to C substitution at nucleotide position 3952. The serine at codon 1318 is replaced by proline, an amino acid with similar properties. This amino acid position is conserved. In addition, the in silico prediction for this alteration is inconclusive. Based on the available evidence, the clinical significance of this variant remains unclear.

Labcorp Genetics (formerly Invitae), Labcorp
Classification: Uncertain significance for Osteogenesis imperfecta type I; Ehlers-Danlos syndrome, classic type, 1. Last evaluated: 2025-11-01. Review status: criteria provided, single submitter. Criteria: Invitae Variant Classification Sherloc (09022015). Collection method: clinical testing. Allele origin: germline.
Comment: This sequence change replaces serine, which is neutral and polar, with proline, which is neutral and non-polar, at codon 1318 of the COL1A2 protein (p.Ser1318Pro). This variant is present in population databases (rs191717459, gnomAD 0.008%). This variant has not been reported in the literature in individuals affected with COL1A2-related conditions. Experimental studies and prediction algorithms are not available or were not evaluated, and the functional significance of this variant is currently unknown. In summary, the available evidence is currently insufficient to determine the role of this variant in disease. Therefore, it has been classified as a Variant of Uncertain Significance.